The following is an entry in ClinVar:

NM_022835.3(PLEKHG2):c.3520G>A (p.Gly1174Ser)

Gene: PLEKHG2 (pleckstrin homology and RhoGEF domain containing G2; plus strand). Cytogenetic location: 19q13.2.
Variant type: single nucleotide variant.
Coding change: c.3520G>A on transcript NM_022835.3 (MANE Select); coding-DNA position 3520, G replaced by A.
Protein change: p.Gly1174Ser; replaces glycine 1174 with serine.
Molecular consequence: missense variant. On other transcripts: intron variant (1).
Genome position (GRCh38, 1-based): chr19:39,424,653, G>A. VCF-style: chr19-39424653-G-A. GRCh37 (hg19) VCF-style: chr19-39915293-G-A.
Other names: c.3343G>A, p.Gly1115Ser (NM_001351693.2); c.1678-585G>A (NM_001351694.2); short protein forms G1174S, G1115S.
Identifiers: ClinVar variation 2166123 (VCV002166123.3), dbSNP rs148842247, ClinGen allele CA9429997.
Genomic context (GRCh38, chr19:39,424,653, plus strand): 5'-GACATCTGGGTCCAAGCCCTCCCAACTTCACCCAAGCAGGGAAGCCTCCCAGACATCCAG[G>A]GTCCAGCGGCTGCACCTCCACTTCCGGAGCCAAGCCTTACAGATACACAGGTCCAAAAAC-3'
Protein context (NP_073746.2, residues 1164-1184): PKQGSLPDIQ[Gly1174Ser]PAAAPPLPEP

ClinVar aggregate classification (germline): Uncertain significance (1 of 4 stars; one submission).

Allele frequency attached by ClinVar (database versions not stated): gnomAD 0.00007; ESP Exome Variant Server 0.00008; ExAC 0.00009; TOPMed 0.00009.
gnomAD v4.1: 315 of 1,613,980 alleles (0.02%); highest among the groups gnomAD compares: Non-Finnish European, 0.025%; 1 homozygote.

Submission:

Labcorp Genetics (formerly Invitae), Labcorp
Classification: Uncertain significance. Last evaluated: 2024-10-30. Review status: criteria provided, single submitter. Criteria: Invitae Variant Classification Sherloc (09022015). Collection method: clinical testing. Allele origin: germline.
Comment: This sequence change replaces glycine, which is neutral and non-polar, with serine, which is neutral and polar, at codon 1174 of the PLEKHG2 protein (p.Gly1174Ser). This variant is present in population databases (rs148842247, gnomAD 0.02%). This variant has not been reported in the literature in individuals affected with PLEKHG2-related conditions. ClinVar contains an entry for this variant (Variation ID: 2166123). An algorithm developed to predict the effect of missense changes on protein structure and function outputs the following: PolyPhen-2: "Benign". The serine amino acid residue is found in multiple mammalian species, which suggests that this missense change does not adversely affect protein function. In summary, the available evidence is currently insufficient to determine the role of this variant in disease. Therefore, it has been classified as a Variant of Uncertain Significance.